The following is an entry in ClinVar:

ClinVar aggregate classification (germline): Likely pathogenic (1 of 4 stars; one submission).

Conditions:
EXT2-related disorder. Also called: EXT2-related condition.

Submission:

PreventionGenetics, part of Exact Sciences
Classification: Likely pathogenic for EXT2-related condition. Last evaluated: 2023-02-01. Review status: criteria provided, single submitter. Criteria: ACMG Guidelines, 2015. Collection method: clinical testing. Allele origin: germline.
Comment: The EXT2 c.767C>A variant is predicted to result in premature protein termination (p.Ser256*). To our knowledge, this variant has not been reported in the literature or in a large population database, indicating this variant is rare. Nonsense variants in EXT2 are expected to be pathogenic. This variant is interpreted as likely pathogenic.

NM_207122.2(EXT2):c.767C>A (p.Ser256Ter)

Gene: EXT2 (exostosin glycosyltransferase 2; plus strand). Cytogenetic location: 11p11.2.
Variant type: single nucleotide variant.
Coding change: c.767C>A on transcript NM_207122.2 (MANE Select); coding-DNA position 767, C replaced by A.
Protein change: p.Ser256Ter; replaces serine 256 with a stop codon.
Molecular consequence: nonsense.
Genome position (GRCh38, 1-based): chr11:44,124,812, C>A. VCF-style: chr11-44124812-C-A. GRCh37 (hg19) VCF-style: chr11-44146362-C-A.
Other names: c.866C>A, p.Ser289Ter (NM_000401.3); c.767C>A, p.Ser256Ter (NM_001178083.3, NM_001389628.1, NM_001389630.1); short protein forms S256*, S289*.
Identifiers: ClinVar variation 2630407 (VCV002630407.1), dbSNP rs2539562654, ClinGen allele CA380166801.
Genomic context (GRCh38, chr11:44,124,812, plus strand): 5'-CTGCAATTTTCCAATCACCTGTTTTTTTCCCTTGTAGTCCACGGCAATACTTCCTCCTGT[C>A]ATCTCAGGTGGGTCTCCATCCTGAGTACAGAGAGGACCTAGAAGCCCTCCAGGTCAAACA-3'